The following is an entry in ClinVar:

NM_002692.4(POLE2):c.339C>G (p.Asn113Lys)

Gene: POLE2 (DNA polymerase epsilon 2, accessory subunit; minus strand). Cytogenetic location: 14q21.3.
Variant type: single nucleotide variant.
Coding change: c.339C>G on transcript NM_002692.4 (MANE Select); coding-DNA position 339, C replaced by G.
Protein change: p.Asn113Lys; replaces asparagine 113 with lysine.
Molecular consequence: missense variant.
Genome position (GRCh38, 1-based): chr14:49,674,201, G>C on the plus strand (C>G on the coding strand, the complement: POLE2 is on the minus strand). VCF-style: chr14-49674201-G-C. GRCh37 (hg19) VCF-style: chr14-50140919-G-C.
Other names: c.261C>G, p.Asn87Lys (NM_001197330.2); c.339C>G, p.Asn113Lys (NM_001197331.3, NM_001348384.2); c.108C>G, p.Asn36Lys (NM_001348385.2); short protein forms N113K, N36K, N87K.
Identifiers: ClinVar variation 1490286 (VCV001490286.6), dbSNP rs1886089004, ClinGen allele CA389612044.
Genomic context (GRCh38, chr14:49,674,201, plus strand): 5'-TCGCTCACGAAACATCTCTGCTTTATCTCTTGGTGTTCCAAATAAATTTGGTGCAGGGTG[G>C]TTGGTCATTAACAGACTAGAAAAAGAGAATGCCTATTTTTGACTATCATAATACACAAAG-3'
Protein context (NP_002683.2, residues 103-123): RKKFLPLLMT[Asn113Lys]HPAPNLFGTP

ClinVar aggregate classification (germline): Uncertain significance (1 of 4 stars; one submission).

Submission:

Labcorp Genetics (formerly Invitae), Labcorp
Classification: Uncertain significance. Last evaluated: 2021-09-14. Review status: criteria provided, single submitter. Criteria: Invitae Variant Classification Sherloc (09022015). Collection method: clinical testing. Allele origin: germline.
Comment: This sequence change replaces asparagine with lysine at codon 113 of the POLE2 protein (p.Asn113Lys). The asparagine residue is moderately conserved and there is a moderate physicochemical difference between asparagine and lysine. This variant is not present in population databases (ExAC no frequency). This variant has not been reported in the literature in individuals affected with POLE2-related conditions. Algorithms developed to predict the effect of missense changes on protein structure and function (SIFT, PolyPhen-2, Align-GVGD) all suggest that this variant is likely to be tolerated. In summary, the available evidence is currently insufficient to determine the role of this variant in disease. Therefore, it has been classified as a Variant of Uncertain Significance.